The following is an entry in ClinVar:

NM_001042492.3(NF1):c.3288G>A (p.Met1096Ile)

Gene: NF1 (neurofibromin 1; plus strand). Cytogenetic location: 17q11.2.
Variant type: single nucleotide variant.
Coding change: c.3288G>A on transcript NM_001042492.3 (MANE Select); coding-DNA position 3288, G replaced by A.
Protein change: p.Met1096Ile; replaces methionine 1096 with isoleucine.
Molecular consequence: missense variant.
Genome position (GRCh38, 1-based): chr17:31,232,163, G>A. VCF-style: chr17-31232163-G-A. GRCh37 (hg19) VCF-style: chr17-29559181-G-A.
Other names: c.3288G>A, p.Met1096Ile (NM_000267.4); short protein forms M1096I.
Identifiers: ClinVar variation 4119176 (VCV004119176.1).
Genomic context (GRCh38, chr17:31,232,163, plus strand): 5'-AGTTTCACTTCTAGCTGGTCTCCCTCTGCAGCCTGAAGAAGGAGATGGTGTGGAATTGAT[G>A]GAAGCCAAATCACAGTTATTTCTTAAGTAAATTTCAGTCACCAAAAAACATAAAGCAAAA-3'
Protein context (NP_001035957.1, residues 1086-1106): QPEEGDGVEL[Met1096Ile]EAKSQLFLKY

ClinVar aggregate classification (germline): Uncertain significance (1 of 4 stars; one submission).

Conditions:
Cardiovascular phenotype. Identifiers: MedGen CN230736.
Hereditary cancer-predisposing syndrome. Also called: Hereditary neoplastic syndrome; Neoplastic Syndromes, Hereditary; Tumor predisposition; Hereditary Cancer Syndrome. Identifiers: Orphanet 140162, MedGen C0027672, MeSH D009386, MONDO:0015356.

Submission:

Ambry Genetics
Classification: Uncertain significance for Cardiovascular phenotype; Hereditary cancer-predisposing syndrome. Last evaluated: 2025-08-30. Review status: criteria provided, single submitter. Criteria: Ambry Variant Classification Scheme 2023. Collection method: clinical testing. Allele origin: germline.
Comment: The p.M1096I variant (also known as c.3288G>A), located in coding exon 25 of the NF1 gene, results from a G to A substitution at nucleotide position 3288. The methionine at codon 1096 is replaced by isoleucine, an amino acid with highly similar properties. This amino acid position is conserved. In addition, the in silico prediction for this alteration is inconclusive. Based on the available evidence, the clinical significance of this variant remains unclear.